The following is an entry in ClinVar:

NM_003091.4(SNRPB):c.456C>A (p.Ala152=)

Gene: SNRPB (small nuclear ribonucleoprotein polypeptides B and B1; minus strand). Cytogenetic location: 20p13.
Variant type: single nucleotide variant.
Coding change: c.456C>A on transcript NM_003091.4 (MANE Select); coding-DNA position 456, C replaced by A.
Protein change: p.Ala152=; no amino-acid change (alanine 152 retained).
Molecular consequence: synonymous variant.
Genome position (GRCh38, 1-based): chr20:2,463,192, G>T on the plus strand (C>A on the coding strand, the complement: SNRPB is on the minus strand). VCF-style: chr20-2463192-G-T. GRCh37 (hg19) VCF-style: chr20-2443838-G-T.
Other names: c.456C>A, p.Ala152= (NM_198216.2).
Identifiers: ClinVar variation 5041073 (VCV005041073.1).

ClinVar aggregate classification (germline): Likely benign (1 of 4 stars; one submission).

Submission:

CeGaT Center for Human Genetics Tuebingen
Classification: Likely benign. Last evaluated: 2026-09-01. Review status: criteria provided, single submitter. Criteria: CeGaT Center For Human Genetics Tuebingen Variant Classification Criteria Version 2. Collection method: clinical testing. Allele origin: germline. Affected: yes. Observed: 1 variant allele.
Comment: SNRPB: PM2:Supporting, BP4, BP7